The following is an entry in ClinVar:

NM_001378457.1(DMXL2):c.6110T>A (p.Val2037Glu)

Gene: DMXL2 (Dmx like 2; minus strand). Cytogenetic location: 15q21.2.
Variant type: single nucleotide variant.
Coding change: c.6110T>A on transcript NM_001378457.1 (MANE Select); coding-DNA position 6110, T replaced by A.
Protein change: p.Val2037Glu; replaces valine 2037 with glutamic acid.
Molecular consequence: missense variant. On other transcripts: non-coding transcript variant (2).
Genome position (GRCh38, 1-based): chr15:51,480,996, A>T on the plus strand (T>A on the coding strand, the complement: DMXL2 is on the minus strand). VCF-style: chr15-51480996-A-T. GRCh37 (hg19) VCF-style: chr15-51773193-A-T.
Other names: c.6110T>A, p.Val2037Glu (NM_001174116.3, NM_001378458.1, NM_001378459.1 and 4 more transcripts); c.4202T>A, p.Val1401Glu (NM_001174117.3); c.4091T>A, p.Val1364Glu (NM_001378460.1); c.5870T>A, p.Val1957Glu (NM_001378464.1); short protein forms V2037E, V1401E, V1957E, V1364E.
Identifiers: ClinVar variation 2046724 (VCV002046724.4), dbSNP rs2548447276, ClinGen allele CA392444340.

ClinVar aggregate classification (germline): Uncertain significance (1 of 4 stars; one submission).

Submission:

Labcorp Genetics (formerly Invitae), Labcorp
Classification: Uncertain significance. Last evaluated: 2021-12-18. Review status: criteria provided, single submitter. Criteria: Invitae Variant Classification Sherloc (09022015). Collection method: clinical testing. Allele origin: germline.
Comment: In summary, the available evidence is currently insufficient to determine the role of this variant in disease. Therefore, it has been classified as a Variant of Uncertain Significance. Algorithms developed to predict the effect of missense changes on protein structure and function are either unavailable or do not agree on the potential impact of this missense change (SIFT: "Deleterious"; PolyPhen-2: "Probably Damaging"; Align-GVGD: "Class C0"). This variant has not been reported in the literature in individuals affected with DMXL2-related conditions. This variant is not present in population databases (gnomAD no frequency). This sequence change replaces valine, which is neutral and non-polar, with glutamic acid, which is acidic and polar, at codon 2037 of the DMXL2 protein (p.Val2037Glu).